The following is an entry in ClinVar:

NM_001287.6(CLCN7):c.1172T>C (p.Val391Ala)

Gene: CLCN7 (chloride voltage-gated channel 7; minus strand). Cytogenetic location: 16p13.3.
Variant type: single nucleotide variant.
Coding change: c.1172T>C on transcript NM_001287.6 (MANE Select); coding-DNA position 1172, T replaced by C.
Protein change: p.Val391Ala; replaces valine 391 with alanine.
Molecular consequence: missense variant.
Genome position (GRCh38, 1-based): chr16:1,453,876, A>G on the plus strand (T>C on the coding strand, the complement: CLCN7 is on the minus strand). VCF-style: chr16-1453876-A-G. GRCh37 (hg19) VCF-style: chr16-1503877-A-G.
Other names: c.1172T>C (NM_001287.4); c.1100T>C, p.Val367Ala (NM_001114331.3); short protein forms V367A, V391A.
Identifiers: ClinVar variation 1471085 (VCV001471085.9), dbSNP rs374766870, ClinGen allele CA7810381.

ClinVar aggregate classification (germline): Uncertain significance. Review status: criteria provided, multiple submitters, no conflicts (2 of 4 stars). 2 submissions from 2 submitters: Uncertain significance (2). Last evaluated 2026-01-18.

Conditions:
Inborn genetic diseases. Identifiers: MedGen C0950123, MeSH D030342.

Allele frequency attached by ClinVar (database versions not stated): ExAC 0.00002; gnomAD 0.00002; TOPMed 0.00003; gnomAD exomes 0.00004; ESP Exome Variant Server 0.00008.
gnomAD v4.1: 71 of 1,613,246 alleles (0.0044%); highest among the groups gnomAD compares: Non-Finnish European, 0.0053%; no homozygotes.

Submissions (2):

Labcorp Genetics (formerly Invitae), Labcorp
Classification: Uncertain significance. Last evaluated: 2026-01-18. Review status: criteria provided, single submitter. Criteria: Invitae Variant Classification Sherloc (09022015). Collection method: clinical testing. Allele origin: germline.
Comment: This sequence change replaces valine, which is neutral and non-polar, with alanine, which is neutral and non-polar, at codon 391 of the CLCN7 protein (p.Val391Ala). This variant is present in population databases (rs374766870, gnomAD 0.008%). This variant has not been reported in the literature in individuals affected with CLCN7-related conditions. ClinVar contains an entry for this variant (Variation ID: 1471085). Invitae Evidence Modeling of protein sequence and biophysical properties (such as structural, functional, and spatial information, amino acid conservation, physicochemical variation, residue mobility, and thermodynamic stability) indicates that this missense variant is not expected to disrupt CLCN7 protein function with a negative predictive value of 95%. In summary, the available evidence is currently insufficient to determine the role of this variant in disease. Therefore, it has been classified as a Variant of Uncertain Significance.

Ambry Genetics
Classification: Uncertain significance for Inborn genetic diseases. Last evaluated: 2023-12-14. Review status: criteria provided, single submitter. Criteria: Ambry Variant Classification Scheme 2023. Collection method: clinical testing. Allele origin: germline.